The following is an entry in ClinVar:

NM_000368.5(TSC1):c.2194C>T (p.His732Tyr)

Gene: TSC1 (TSC complex subunit 1; minus strand). Cytogenetic location: 9q34.13.
Variant type: single nucleotide variant.
Coding change: c.2194C>T on transcript NM_000368.5 (MANE Select); coding-DNA position 2194, C replaced by T.
Protein change: p.His732Tyr; replaces histidine 732 with tyrosine.
Molecular consequence: missense variant.
Genome position (GRCh38, 1-based): chr9:132,903,665, G>A on the plus strand (C>T on the coding strand, the complement: TSC1 is on the minus strand). VCF-style: chr9-132903665-G-A. GRCh37 (hg19) VCF-style: chr9-135779052-G-A.
Other names: p.H732Y:CAT>TAT; c.2191C>T, p.His731Tyr (NM_001162426.2); c.2041C>T, p.His681Tyr (NM_001162427.2); c.1831C>T, p.His611Tyr (NM_001362177.2); short protein forms H732Y, H611Y, H681Y, H731Y.
Identifiers: ClinVar variation 5103 (VCV000005103.90), dbSNP rs118203657, ClinGen allele CA006123.

ClinVar aggregate classification (germline): Conflicting classifications of pathogenicity. Review status: criteria provided, conflicting classifications (1 of 4 stars). 34 submissions from 33 submitters: Uncertain significance (1); Benign (21); Likely benign (3). 9 of the submissions do not count toward it. Last evaluated 2026-07-01.

Conditions:
Hereditary cancer-predisposing syndrome. Also called: Hereditary neoplastic syndrome; Hereditary Cancer Syndrome; Neoplastic Syndromes, Hereditary; Tumor predisposition. Identifiers: Orphanet 140162, MedGen C0027672, MeSH D009386, MONDO:0015356.
Tuberous sclerosis syndrome (TSC). Also called: Tuberous Sclerosis Complex; Tuberous sclerosis. Identifiers: Orphanet 805, MedGen C0041341, MONDO:0001734.
Isolated focal cortical dysplasia type II (FCORD2). Also called: CORTICAL DYSPLASIA OF TAYLOR; Focal cortical dysplasia type II. Identifiers: Orphanet 268994, MedGen C1846385, MONDO:0011818, OMIM 607341, HP:0032051.
Tuberous sclerosis 1 (TSC1). Identifiers: Orphanet 805, MedGen C1854465, MONDO:0008612, OMIM 191100.
Focal cortical dysplasia of Taylor type 2B (CDTBC). Also called: Cortical dysplasia of Taylor with balloon cells. Identifiers: MedGen C1846389.

Allele frequency attached by ClinVar (database versions not stated): gnomAD 0.00343 and 0.00332; gnomAD exomes 0.00364 and 0.00366; 1000 Genomes Project 30x 0.00109; 1000 Genomes Project 0.00140; ExAC 0.00386; TOPMed 0.00213.
gnomAD v4.1: 5,806 of 1,612,416 alleles (0.36%); highest among the groups gnomAD compares: Non-Finnish European, 0.39%; 28 homozygotes.

Submissions 1 to 25 of 34:

CeGaT Center for Human Genetics Tuebingen
Classification: Benign. Last evaluated: 2026-07-01. Review status: criteria provided, single submitter. Criteria: CeGaT Center For Human Genetics Tuebingen Variant Classification Criteria Version 2. Collection method: clinical testing. Allele origin: germline. Affected: yes. Observed: 73 variant alleles.
Comment: TSC1: PP2, BS1, BS2

Labcorp Genetics (formerly Invitae), Labcorp
Classification: Benign for Tuberous sclerosis 1. Last evaluated: 2026-02-04. Review status: criteria provided, single submitter. Criteria: Invitae Variant Classification Sherloc (09022015). Collection method: clinical testing. Allele origin: germline.

Women's Health and Genetics/Laboratory Corporation of America, LabCorp
Classification: Likely benign. Last evaluated: 2025-01-24. Review status: criteria provided, single submitter. Criteria: LabCorp Variant Classification Summary - May 2015. Collection method: clinical testing. Allele origin: germline.

ARUP Laboratories, Molecular Genetics and Genomics, ARUP Laboratories
Classification: Benign. Last evaluated: 2024-12-16. Review status: criteria provided, single submitter. Criteria: ARUP Molecular Germline Variant Investigation Process 2024. Collection method: clinical testing. Allele origin: germline.

Blueprint Genetics
Classification: Likely benign. Last evaluated: 2024-11-25. Review status: criteria provided, single submitter. Criteria: ACMG Guidelines, 2015. Collection method: clinical testing. Allele origin: germline.

Myriad Genetics, Inc.
Classification: Benign for Tuberous sclerosis 1. Last evaluated: 2023-07-06. Review status: criteria provided, single submitter. Criteria: Myriad Autosomal Dominant, Autosomal Recessive and X-Linked Classification Criteria (2023). Collection method: clinical testing. Allele origin: unknown.
Comment: This variant is considered benign. This variant has been observed at a population frequency that is significantly greater than expected given the associated disease prevalence and penetrance. Homozygosity has been confirmed in one or more individuals. As homozygosity for pathogenic variants in this gene is generally assumed to result in embryonic lethality, this variant is unlikely to be pathogenic.

Color Diagnostics, LLC DBA Color Health
Classification: Benign for Tuberous sclerosis syndrome. Last evaluated: 2022-09-20. Review status: criteria provided, single submitter. Criteria: ACMG Guidelines, 2015. Collection method: clinical testing. Allele origin: germline.

Mayo Clinic Laboratories, Mayo Clinic
Classification: Benign. Last evaluated: 2022-07-20. Review status: criteria provided, single submitter. Criteria: ACMG Guidelines, 2015. Collection method: clinical testing. Allele origin: germline. Observed: 7 variant alleles.
Comment: BS1, BS2

Quest Diagnostics Nichols Institute San Juan Capistrano
Classification: Benign. Last evaluated: 2022-06-22. Review status: criteria provided, single submitter. Criteria: Quest Diagnostics criteria. Collection method: clinical testing. Allele origin: unknown.

Department of Pathology and Laboratory Medicine, Sinai Health System
Classification: Benign for Tuberous sclerosis 1. Last evaluated: 2021-11-25. Review status: criteria provided, single submitter. Criteria: ACMG Guidelines, 2015. Collection method: clinical testing. Allele origin: germline. Affected: yes.

Genome-Nilou Lab
Classification: Benign for Tuberous sclerosis 1. Last evaluated: 2021-11-07. Review status: criteria provided, single submitter. Criteria: ACMG Guidelines, 2015. Collection method: clinical testing. Allele origin: germline. Affected: no.

Sema4
Classification: Benign for Hereditary cancer-predisposing syndrome. Last evaluated: 2020-10-21. Review status: criteria provided, single submitter. Criteria: Sema4 Curation Guidelines. Collection method: curation. Allele origin: germline.

Equipe Genetique des Anomalies du Developpement, Université de Bourgogne
Classification: Benign for Tuberous sclerosis 1. Last evaluated: 2018-11-21. Review status: criteria provided, single submitter. Criteria: ACMG Guidelines, 2015. Collection method: clinical testing. Allele origin: unknown.

Illumina Laboratory Services, Illumina
Classification: Benign for Tuberous sclerosis 1. Last evaluated: 2018-01-12. Review status: criteria provided, single submitter. Criteria: ICSL Variant Classification Criteria 13 December 2019. Collection method: clinical testing. Allele origin: germline.
Comment: This variant was observed in the ICSL laboratory as part of a predisposition screen in an ostensibly healthy population. It had not been previously curated by ICSL or reported in the Human Gene Mutation Database (HGMD: prior to June 1st, 2018), and was therefore a candidate for classification through an automated scoring system. Utilizing variant allele frequency, disease prevalence and penetrance estimates, and inheritance mode, an automated score was calculated to assess if this variant is too frequent to cause the disease. Based on the score and internal cut-off values, a variant classified as benign is not then subjected to further curation. The score for this variant resulted in a classification of benign for this disease.

Illumina Laboratory Services, Illumina
Classification: Benign for Isolated focal cortical dysplasia type II. Last evaluated: 2018-01-12. Review status: criteria provided, single submitter. Criteria: ICSL Variant Classification Criteria 13 December 2019. Collection method: clinical testing. Allele origin: germline.
Comment: the same text as in the submission from Illumina Laboratory Services, Illumina above.

Athena Diagnostics
Classification: Benign. Last evaluated: 2017-12-01. Review status: criteria provided, single submitter. Criteria: Athena Diagnostics Criteria. Collection method: clinical testing. Allele origin: germline.

Lupski Lab, Baylor-Hopkins CMG, Baylor College of Medicine
Classification: Uncertain significance for Isolated focal cortical dysplasia type II. Last evaluated: 2017-09-01. Review status: criteria provided, single submitter. Criteria: Wiszniewski et al. (Eur J Hum Genet. 2018). Collection method: research. Allele origin: inherited, unknown. Inheritance: Autosomal dominant inheritance. Affected: yes. Observed: 2 variant alleles.

Center for Pediatric Genomic Medicine, Children's Mercy Hospital and Clinics
Classification: Benign. Last evaluated: 2016-05-03. Review status: criteria provided, single submitter. Criteria: ACMG Guidelines, 2015. Collection method: clinical testing. Allele origin: germline.

Laboratory for Molecular Medicine, Mass General Brigham Personalized Medicine
Classification: Benign. Last evaluated: 2016-04-25. Review status: criteria provided, single submitter. Criteria: LMM Criteria. Collection method: clinical testing. Allele origin: germline.
Comment: Variant identified in a genome or exome case(s) and assessed due to predicted null impact of the variant or pathogenic assertions in the literature or databases. Disclaimer: This variant has not undergone full assessment. The following are preliminary notes: ExAC: 1.5% (96/6614) Finnish chromosomes

Genomic Diagnostic Laboratory, Division of Genomic Diagnostics, Children's Hospital of Philadelphia
Classification: Benign for Tuberous sclerosis 1. Last evaluated: 2015-09-17. Review status: criteria provided, single submitter. Criteria: DGD Variant Analysis Guidelines. Collection method: clinical testing. Allele origin: unknown.

Ambry Genetics
Classification: Benign for Hereditary cancer-predisposing syndrome. Last evaluated: 2014-11-20. Review status: criteria provided, single submitter. Criteria: Ambry Variant Classification Scheme 2023. Collection method: clinical testing. Allele origin: germline.

Eurofins Ntd Llc (ga)
Classification: Benign. Last evaluated: 2014-10-09. Review status: criteria provided, single submitter. Criteria: EGL Classification Definitions 2015. Collection method: clinical testing. Allele origin: germline. Observed: 1 variant allele, 1 heterozygote.

Genetic Services Laboratory, University of Chicago
Classification: Likely benign for AllHighlyPenetrant. Last evaluated: 2014-03-17. Review status: criteria provided, single submitter. Criteria: ACMG Guidelines, 2007. Collection method: clinical testing. Allele origin: germline. Inheritance: Autosomal dominant inheritance.

GeneDx
Classification: Benign. Last evaluated: 2014-01-02. Review status: criteria provided, single submitter. Criteria: GeneDx Variant Classification (06012015). Collection method: clinical testing. Allele origin: germline. Affected: yes.
Comment: This variant is considered likely benign or benign based on one or more of the following criteria: it is a conservative change, it occurs at a poorly conserved position in the protein, it is predicted to be benign by multiple in silico algorithms, and/or has population frequency not consistent with disease.

PreventionGenetics, part of Exact Sciences
Classification: Benign. Review status: criteria provided, single submitter. Criteria: ACMG Guidelines, 2015. Collection method: clinical testing. Allele origin: germline.